The following is an entry in ClinVar:

ClinVar aggregate classification (germline): Uncertain significance (1 of 4 stars; one submission).

Allele frequency attached by ClinVar (database versions not stated): gnomAD exomes below 0.00001.

Submission:

GeneDx
Classification: Uncertain significance. Last evaluated: 2016-08-25. Review status: criteria provided, single submitter. Criteria: GeneDx Variant Classification (06012015). Collection method: clinical testing. Allele origin: germline. Affected: yes.
Comment: The S636I variant in the ALOX12B gene has not been reported previously as a pathogenic variant, nor as a benign variant, to our knowledge. The S636I variant was not observed in approximately 6,500 individuals of European and African American ancestry in the NHLBI Exome Sequencing Project, indicating it is not a common benign variant in these populations. The S636I variant is a non-conservative amino acid substitution, which is likely to impact secondary protein structure as these residues differ in polarity, charge, size and/or other properties. This substitution occurs at a position that is not conserved. In silico analysis predicts this variant is probably damaging to the protein structure/function. We interpret S636I as a variant of uncertain significance.

NM_001139.3(ALOX12B):c.1907G>T (p.Ser636Ile)

Gene: ALOX12B (arachidonate 12-lipoxygenase, 12R type; minus strand). Cytogenetic location: 17p13.1.
Variant type: single nucleotide variant.
Coding change: c.1907G>T on transcript NM_001139.3 (MANE Select); coding-DNA position 1907, G replaced by T.
Protein change: p.Ser636Ile; replaces serine 636 with isoleucine.
Molecular consequence: missense variant.
Genome position (GRCh38, 1-based): chr17:8,073,167, C>A on the plus strand (G>T on the coding strand, the complement: ALOX12B is on the minus strand). VCF-style: chr17-8073167-C-A. GRCh37 (hg19) VCF-style: chr17-7976485-C-A.
Other names: c.1907G>T, p.Ser636Ile (LRG_1264t1); short protein forms S636I.
Identifiers: ClinVar variation 388812 (VCV000388812.2), dbSNP rs1057523238, ClinGen allele CA16607532.